The following is an entry in ClinVar:

ClinVar aggregate classification (germline): Uncertain significance (1 of 4 stars; one submission).

Allele frequency attached by ClinVar (database versions not stated): ExAC 0.00001; gnomAD 0.00001 and 0.00002; gnomAD exomes 0.00002 and 0.00003; TOPMed 0.00003; 1000 Genomes Project 30x 0.00016.
gnomAD v4.1: 35 of 1,597,566 alleles (0.0022%); highest among the groups gnomAD compares: South Asian, 0.015%; no homozygotes.

Submission:

Labcorp Genetics (formerly Invitae), Labcorp
Classification: Uncertain significance. Last evaluated: 2022-09-07. Review status: criteria provided, single submitter. Criteria: Invitae Variant Classification Sherloc (09022015). Collection method: clinical testing. Allele origin: germline.
Comment: In summary, the available evidence is currently insufficient to determine the role of this variant in disease. Therefore, it has been classified as a Variant of Uncertain Significance. Algorithms developed to predict the effect of missense changes on protein structure and function are either unavailable or do not agree on the potential impact of this missense change (SIFT: "Deleterious"; PolyPhen-2: "Probably Damaging"; Align-GVGD: "Class C0"). ClinVar contains an entry for this variant (Variation ID: 1357734). This variant has not been reported in the literature in individuals affected with SZT2-related conditions. This variant is present in population databases (rs765694166, gnomAD 0.007%). This sequence change replaces arginine, which is basic and polar, with glutamine, which is neutral and polar, at codon 708 of the SZT2 protein (p.Arg708Gln).

NM_001365999.1(SZT2):c.2123G>A (p.Arg708Gln)

Gene: SZT2 (SZT2 subunit of KICSTOR complex; plus strand). Cytogenetic location: 1p34.2.
Variant type: single nucleotide variant.
Coding change: c.2123G>A on transcript NM_001365999.1 (MANE Select); coding-DNA position 2123, G replaced by A.
Protein change: p.Arg708Gln; replaces arginine 708 with glutamine.
Molecular consequence: missense variant.
Genome position (GRCh38, 1-based): chr1:43,423,184, G>A. VCF-style: chr1-43423184-G-A. GRCh37 (hg19) VCF-style: chr1-43888855-G-A.
Other names: c.2123G>A, p.Arg708Gln (NM_015284.4); short protein forms R708Q.
Identifiers: ClinVar variation 1357734 (VCV001357734.6), dbSNP rs765694166, ClinGen allele CA808620.